The following is an entry in ClinVar:

NM_138422.4(ADAT3):c.383G>T (p.Arg128Leu)

Genes: ADAT3 (adenosine deaminase tRNA specific 3; plus strand), SCAMP4 (secretory carrier membrane protein 4; plus strand). Cytogenetic location: 19p13.3.
Variant type: single nucleotide variant.
Coding change: c.383G>T on transcript NM_138422.4 (MANE Select); coding-DNA position 383, G replaced by T.
Protein change: p.Arg128Leu; replaces arginine 128 with leucine.
Molecular consequence: missense variant. On other transcripts: intron variant (3).
Genome position (GRCh38, 1-based): chr19:1,912,430, G>T. VCF-style: chr19-1912430-G-T. GRCh37 (hg19) VCF-style: chr19-1912429-G-T.
Other names: c.335G>T, p.Arg112Leu (NM_001329533.2); c.-41-2549G>T (NM_079834.4, NM_001329540.2); c.-125-5264G>T (NM_001329539.2); short protein forms R128L, R112L.
Identifiers: ClinVar variation 450197 (VCV000450197.53), dbSNP rs200992550, ClinGen allele CA9054547.
Genomic context (GRCh38, chr19:1,912,430, plus strand): 5'-TGCTGCTTTGCCTGGCTGGGCCGGCCTCGGGCCCGCGCTCGCTGGCTGAGCTCCTGCCAC[G>T]GCCGGCTGTGGACCCCCGCGGCCTGGGGCAACCCTTCCTGGTGCCCGTGCCCGCCCGGCC-3'
Protein context (NP_612431.2, residues 118-138): GPRSLAELLP[Arg128Leu]PAVDPRGLGQ

ClinVar aggregate classification (germline): Conflicting classifications of pathogenicity. Review status: criteria provided, conflicting classifications (1 of 4 stars). 7 submissions from 7 submitters: Uncertain significance (1); Benign (1); Likely benign (4). 1 of the submissions does not count toward it. Last evaluated 2026-01-01.

Conditions:
ADAT3-related disorder. Also called: ADAT3-related condition.
Inborn genetic diseases. Identifiers: MedGen C0950123, MeSH D030342.

Allele frequency attached by ClinVar (database versions not stated): 1000 Genomes Project 0.00040; ExAC 0.00059; 1000 Genomes Project 30x 0.00156; gnomAD 0.00225 and 0.00230; TOPMed 0.00227; gnomAD exomes 0.00235.
gnomAD v4.1: 3,289 of 1,511,234 alleles (0.22%); highest among the groups gnomAD compares: Admixed American, 0.51%; 4 homozygotes.

Submissions (7):

CeGaT Center for Human Genetics Tuebingen
Classification: Likely benign. Last evaluated: 2026-01-01. Review status: criteria provided, single submitter. Criteria: CeGaT Center For Human Genetics Tuebingen Variant Classification Criteria Version 2. Collection method: clinical testing. Allele origin: germline. Affected: yes. Observed: 8 variant alleles.
Comment: ADAT3: BS2

Ambry Genetics
Classification: Likely benign for Inborn genetic diseases. Last evaluated: 2021-06-02. Review status: criteria provided, single submitter. Criteria: Ambry Variant Classification Scheme 2023. Collection method: clinical testing. Allele origin: germline.

Labcorp Genetics (formerly Invitae), Labcorp
Classification: Likely benign. Last evaluated: 2019-12-31. Review status: criteria provided, single submitter. Criteria: Invitae Variant Classification Sherloc (09022015). Collection method: clinical testing. Allele origin: germline.

Genetic Services Laboratory, University of Chicago
Classification: Likely benign. Last evaluated: 2018-04-26. Review status: criteria provided, single submitter. Criteria: ACMG Guidelines, 2015. Collection method: clinical testing. Allele origin: germline. Affected: no.

GeneDx
Classification: Uncertain significance. Last evaluated: 2017-07-06. Review status: criteria provided, single submitter. Criteria: GeneDx Variant Classification (06012015). Collection method: clinical testing. Allele origin: germline. Affected: yes.
Comment: The R128L variant in the ADAT3 gene has not been reported previously as a pathogenic variant, nor as a benign variant, to our knowledge. The R128L variant is observed in 4/2452 (0.16%) alleles from individuals of non-Finnish European background in large population cohorts (Lek et al., 2016; 1000 Genomes Consortium et al., 2015; Exome Variant Server). The R128L variant is a non-conservative amino acid substitution, which is likely to impact secondary protein structure as these residues differ in polarity, charge, size and/or other properties. This substitution occurs at a position that is not conserved and in silico analysis predicts this variant likely does not alter the protein structure/function. We interpret R128L as a variant of uncertain significance.

Institute for Genomic Medicine (IGM) Clinical Laboratory, Nationwide Children's Hospital
Classification: Benign. Last evaluated: 2017-06-20. Review status: criteria provided, single submitter. Criteria: ACMG Guidelines, 2015. Collection method: clinical testing. Allele origin: germline.
Comment: BS1, BS2, BP4; This alteration has an allele frequency that is greater than expected for the associated disease, was seen in a healthy adult where full penetrance of the disorder is expected at an early age, and is predicted to be tolerated by multiple functional prediction tools.

PreventionGenetics, part of Exact Sciences
Classification: Likely benign for ADAT3-related condition. Last evaluated: 2022-02-11. Review status: no assertion criteria provided. Collection method: clinical testing. Allele origin: germline. Not counted in ClinVar's aggregate classification.
Comment: This variant is classified as likely benign based on ACMG/AMP sequence variant interpretation guidelines (Richards et al. 2015 PMID: 25741868, with internal and published modifications).